The following is an entry in ClinVar:

ClinVar aggregate classification (germline): Uncertain significance. Review status: criteria provided, multiple submitters, no conflicts (2 of 4 stars). 2 submissions from 2 submitters: Uncertain significance (2). Last evaluated 2022-04-12.

Allele frequency attached by ClinVar (database versions not stated): ExAC 0.00001; gnomAD exomes 0.00001.
gnomAD v4.1: 13 of 1,614,060 alleles (0.00081%); highest among the groups gnomAD compares: Admixed American, 0.0017%; no homozygotes.

Submissions (2):

Blueprint Genetics
Classification: Uncertain significance. Last evaluated: 2022-04-12. Review status: criteria provided, single submitter. Criteria: ACMG Guidelines, 2015. Collection method: clinical testing. Allele origin: germline.

Labcorp Genetics (formerly Invitae), Labcorp
Classification: Uncertain significance. Last evaluated: 2022-03-14. Review status: criteria provided, single submitter. Criteria: Invitae Variant Classification Sherloc (09022015). Collection method: clinical testing. Allele origin: germline.
Comment: This sequence change replaces arginine, which is basic and polar, with histidine, which is basic and polar, at codon 111 of the AGBL5 protein (p.Arg111His). In summary, the available evidence is currently insufficient to determine the role of this variant in disease. Therefore, it has been classified as a Variant of Uncertain Significance. Algorithms developed to predict the effect of missense changes on protein structure and function are either unavailable or do not agree on the potential impact of this missense change (SIFT: "Tolerated"; PolyPhen-2: "Probably Damaging"; Align-GVGD: "Class C0"). ClinVar contains an entry for this variant (Variation ID: 866311). This missense change has been observed in individuals with retinitis pigmentosa (Invitae). This variant is present in population databases (rs745474264, gnomAD 0.004%).

NM_021831.6(AGBL5):c.332G>A (p.Arg111His)

Gene: AGBL5 (AGBL carboxypeptidase 5; plus strand). Cytogenetic location: 2p23.3.
Variant type: single nucleotide variant.
Coding change: c.332G>A on transcript NM_021831.6 (MANE Select); coding-DNA position 332, G replaced by A.
Protein change: p.Arg111His; replaces arginine 111 with histidine.
Molecular consequence: missense variant. On other transcripts: non-coding transcript variant (2).
Genome position (GRCh38, 1-based): chr2:27,053,518, G>A. VCF-style: chr2-27053518-G-A. GRCh37 (hg19) VCF-style: chr2-27276386-G-A.
Other names: c.332G>A, p.Arg111His (NM_001035507.3); short protein forms R111H.
Identifiers: ClinVar variation 866311 (VCV000866311.8), dbSNP rs745474264, ClinGen allele CA1567605.
Genomic context (GRCh38, chr2:27,053,518, plus strand): 5'-ACATTATGAACATGAACAAGCAGAGCAAGCTGTATTCCCAGGGCATGGCCCCCTTTGTGC[G>A]CACACTGCCCACCCGGCCACGCTGGGAACGCATTCGAGACCGGCCCACCTTTGAGGTAAG-3'
Protein context (NP_068603.4, residues 101-121): LYSQGMAPFV[Arg111His]TLPTRPRWER